The following is an entry in ClinVar:

ClinVar aggregate classification (germline): Pathogenic (1 of 4 stars; one submission).

Conditions:
Hyper-IgE recurrent infection syndrome 3, autosomal recessive. Also called: Autosomal recessive hyper-IgE syndrome due to ZNF341 deficiency; HYPER-IgE SYNDROME 3, AUTOSOMAL RECESSIVE, WITH RECURRENT INFECTIONS. Identifiers: Orphanet 641368, MedGen C4748969, MONDO:0032654, OMIM 618282.

Submission:

Labcorp Genetics (formerly Invitae), Labcorp
Classification: Pathogenic for Combined immunodeficiency due to DOCK8 deficiency. Last evaluated: 2020-07-12. Review status: criteria provided, single submitter. Criteria: Invitae Variant Classification Sherloc (09022015). Collection method: clinical testing. Allele origin: germline.
Comment: This sequence change creates a premature translational stop signal (Deletion (Exons 2-11)) in the DOCK8 gene. It is expected to result in an absent or disrupted protein product. This variant has not been reported in the literature in individuals with DOCK8-related conditions. Loss-of-function variants in DOCK8 are known to be pathogenic (PMID: 14722525, 19776401). For these reasons, this variant has been classified as Pathogenic.

Literature cited by the submitters: PubMed 14722525; PubMed 19776401.

NC_000009.11:g.(?_271607)_(334404_?)del

Gene: DOCK8 (dedicator of cytokinesis 8; plus strand). Cytogenetic location: 9p24.3.
Variant type: Deletion.
Identifiers: ClinVar variation 1072705 (VCV001072705.9).